The following is an entry in ClinVar:

ClinVar aggregate classification (germline): Conflicting classifications of pathogenicity. Review status: criteria provided, conflicting classifications (1 of 4 stars). 2 submissions from 2 submitters: Likely pathogenic (1); Uncertain significance (1). Last evaluated 2019-09-07.

Conditions:
Hypertrophic cardiomyopathy. Also called: HYPERTROPHIC MYOCARDIOPATHY. Identifiers: Orphanet 217569, MedGen C0007194, MeSH D002312, MONDO:0005045, HP:0001639.

Submissions (2):

Labcorp Genetics (formerly Invitae), Labcorp
Classification: Uncertain significance for Hypertrophic cardiomyopathy. Last evaluated: 2019-09-07. Review status: criteria provided, single submitter. Criteria: Invitae Variant Classification Sherloc (09022015). Collection method: clinical testing. Allele origin: germline.
Comment: In summary, the available evidence is currently insufficient to determine the role of this variant in disease. Therefore, it has been classified as a Variant of Uncertain Significance. Algorithms developed to predict the effect of missense changes on protein structure and function are either unavailable or do not agree on the potential impact of this missense change (SIFT: "Deleterious"; PolyPhen-2: "Probably Damaging"; Align-GVGD: "Class C0"). This variant has not been reported in the literature in individuals with MYH7-related conditions. ClinVar contains an entry for this variant (Variation ID: 181231). This variant is not present in population databases (ExAC no frequency). This sequence change replaces asparagine with lysine at codon 1209 of the MYH7 protein (p.Asn1209Lys). The asparagine residue is highly conserved and there is a moderate physicochemical difference between asparagine and lysine.

GeneDx
Classification: Likely pathogenic. Last evaluated: 2013-05-17. Review status: criteria provided, single submitter. Criteria: GeneDx Variant Classification (06012015). Collection method: clinical testing. Allele origin: germline. Affected: yes.
Comment: p.Asn1209Lys (AAC>AAG): c.3627 C>G in exon 27 of the MYH7 gene (NM_000257.2). The Asn1209Lys variant in the MYH7 gene has not been reported as a disease-causing mutation or as a benign polymorphism to our knowledge. Asn1209Lys results in a semi-conservative amino acid substitution of a neutral, polar Asparagine residue with a positively charged Lysine residue at a position that is conserved across species. In silico analysis predicts Asn1209Lys is probably damaging to the protein structure/function. Mutations in nearby residues (Glu1205Lys, Gly1218Gln) have been reported in association with cardiomyopathy, further supporting the functional importance of this region of the protein. Furthermore, the Asn1209Lys variant was not observed in approximately 6,500 individuals of European and African American ancestry in the NHLBI Exome Sequencing Project, indicating it is not a common benign variant in these populations. In summary, while Asn1209Lys is a good candidate for a disease-causing mutation, with the clinical and molecular information available at this time we cannot unequivocally determine the clinical significance of this variant. The variant is found in HCM panel(s).

NM_000257.4(MYH7):c.3627C>G (p.Asn1209Lys)

Gene: MYH7 (myosin heavy chain 7; minus strand). Cytogenetic location: 14q11.2.
Variant type: single nucleotide variant.
Coding change: c.3627C>G on transcript NM_000257.4 (MANE Select); coding-DNA position 3627, C replaced by G.
Protein change: p.Asn1209Lys; replaces asparagine 1209 with lysine.
Molecular consequence: missense variant.
Genome position (GRCh38, 1-based): chr14:23,419,944, G>C on the plus strand (C>G on the coding strand, the complement: MYH7 is on the minus strand). VCF-style: chr14-23419944-G-C. GRCh37 (hg19) VCF-style: chr14-23889153-G-C.
Other names: p.N1209K:AAC>AAG; c.3627C>G (LRG_384t1); short protein forms N1209K.
Identifiers: ClinVar variation 181231 (VCV000181231.11), dbSNP rs730880782, ClinGen allele CA013908.